The following is an entry in ClinVar:

NM_000535.7(PMS2):c.23+7G>C

Gene: PMS2 (PMS1 homolog 2, mismatch repair system component; minus strand). Cytogenetic location: 7p22.1.
Variant type: single nucleotide variant.
Coding change: c.23+7G>C on transcript NM_000535.7 (MANE Select); 7 bases into the intron after coding-DNA position 23, G replaced by C.
Molecular consequence: intron variant. On other transcripts: 5 prime UTR variant (2).
Genome position (GRCh38, 1-based): chr7:6,008,990, C>G on the plus strand (G>C on the coding strand, the complement: PMS2 is on the minus strand). VCF-style: chr7-6008990-C-G. GRCh37 (hg19) VCF-style: chr7-6048621-C-G.
Other names: c.-566G>C (NM_001322005.2); c.-561G>C (NM_001322009.2); c.-53+7G>C (NM_001322008.2); c.-243+7G>C (NM_001322010.2, NM_001322004.2); c.-378+7G>C (NM_001322013.2, NM_001322003.2); c.-857+7G>C (NM_001322012.2); c.-457+7G>C (NM_001322015.2); c.-193+7G>C (NM_001322007.2); and 2 more.
Identifiers: ClinVar variation 382160 (VCV000382160.25), dbSNP rs878854047, ClinGen allele CA16605258.

ClinVar aggregate classification (germline): Conflicting classifications of pathogenicity. Review status: criteria provided, conflicting classifications (1 of 4 stars). 8 submissions from 8 submitters: Uncertain significance (1); Likely benign (6). 1 of the submissions does not count toward it. Last evaluated 2025-09-20.

Conditions:
PMS2-related disorder. Also called: PMS2-related condition.
Mismatch repair cancer syndrome 4. Identifiers: MedGen C5436817, MONDO:0030843, OMIM 619101.
Hereditary nonpolyposis colorectal neoplasms. Identifiers: MedGen C0009405, MeSH D003123.
Hereditary cancer-predisposing syndrome. Also called: Tumor predisposition; Hereditary neoplastic syndrome; Neoplastic Syndromes, Hereditary; Hereditary Cancer Syndrome. Identifiers: Orphanet 140162, MedGen C0027672, MeSH D009386, MONDO:0015356.
Lynch syndrome 4 (LYNCH4). Also called: Colorectal cancer, hereditary nonpolyposis, type 4; Hereditary non-polyposis colorectal cancer, type 4. Identifiers: Orphanet 144, MedGen C1838333, MONDO:0013699, OMIM 614337. Disease mechanism: loss of function.

Allele frequency attached by ClinVar (database versions not stated): TOPMed 0.00001; gnomAD exomes 0.00002.
gnomAD v4.1: 41 of 1,612,640 alleles (0.0025%); highest among the groups gnomAD compares: South Asian, 0.0033%; no homozygotes.

Submissions (8):

Labcorp Genetics (formerly Invitae), Labcorp
Classification: Likely benign for Hereditary nonpolyposis colorectal neoplasms. Last evaluated: 2025-09-20. Review status: criteria provided, single submitter. Criteria: Invitae Variant Classification Sherloc (09022015). Collection method: clinical testing. Allele origin: germline.

Women's Health and Genetics/Laboratory Corporation of America, LabCorp
Classification: Likely benign. Last evaluated: 2025-04-28. Review status: criteria provided, single submitter. Criteria: LabCorp Variant Classification Summary - May 2015. Collection method: clinical testing. Allele origin: germline.

Quest Diagnostics Nichols Institute San Juan Capistrano
Classification: Uncertain significance. Last evaluated: 2025-02-26. Review status: criteria provided, single submitter. Criteria: Quest Diagnostics criteria. Collection method: clinical testing. Allele origin: unknown.
Comment: The PMS2 c.23+7G>C variant has not been reported in individuals with PMS2-related conditions in the published literature. The frequency of this variant in the general population (Genome Aggregation Database) is uninformative in the assessment of its pathogenicity. Analysis of this variant using software algorithms for the prediction of the effect of nucleotide changes on splicing yielded predictions that this variant does not affect PMS2 mRNA splicing. Based on the available information, we are unable to determine the clinical significance of this variant.

Myriad Genetics, Inc.
Classification: Likely benign for Lynch syndrome 4. Last evaluated: 2025-01-23. Review status: criteria provided, single submitter. Criteria: Myriad Autosomal Dominant, Autosomal Recessive and X-Linked Classification Criteria (2023). Collection method: clinical testing. Allele origin: unknown.
Comment: This variant is considered likely benign. This variant is intronic and is not expected to impact mRNA splicing.

Department of Pathology and Laboratory Medicine, Sinai Health System
Classification: Likely benign for Mismatch repair cancer syndrome 4. Last evaluated: 2020-08-27. Review status: criteria provided, single submitter. Criteria: ACMG Guidelines, 2015. Collection method: clinical testing. Allele origin: germline. Affected: yes.

Color Diagnostics, LLC DBA Color Health
Classification: Likely benign for Hereditary cancer-predisposing syndrome. Last evaluated: 2018-08-21. Review status: criteria provided, single submitter. Criteria: ACMG Guidelines, 2015. Collection method: clinical testing. Allele origin: germline.

GeneDx
Classification: Likely benign. Last evaluated: 2016-12-21. Review status: criteria provided, single submitter. Criteria: GeneDx Variant Classification (06012015). Collection method: clinical testing. Allele origin: germline. Affected: yes.
Comment: This variant is considered likely benign or benign based on one or more of the following criteria: it is a conservative change, it occurs at a poorly conserved position in the protein, it is predicted to be benign by multiple in silico algorithms, and/or has population frequency not consistent with disease.

PreventionGenetics, part of Exact Sciences
Classification: Likely benign for PMS2-related condition. Last evaluated: 2023-07-14. Review status: no assertion criteria provided. Collection method: clinical testing. Allele origin: germline. Not counted in ClinVar's aggregate classification.
Comment: This variant is classified as likely benign based on ACMG/AMP sequence variant interpretation guidelines (Richards et al. 2015 PMID: 25741868, with internal and published modifications).